The following is an entry in ClinVar:

NM_000051.4(ATM):c.1265A>T (p.Lys422Met)

Gene: ATM (ATM serine/threonine kinase; plus strand). Cytogenetic location: 11q22.3.
Variant type: single nucleotide variant.
Coding change: c.1265A>T on transcript NM_000051.4 (MANE Select); coding-DNA position 1265, A replaced by T.
Protein change: p.Lys422Met; replaces lysine 422 with methionine.
Molecular consequence: missense variant.
Genome position (GRCh38, 1-based): chr11:108,250,730, A>T. VCF-style: chr11-108250730-A-T. GRCh37 (hg19) VCF-style: chr11-108121457-A-T.
Other names: c.1265A>T, p.Lys422Met (NM_001351834.2); short protein forms K422M.
Identifiers: ClinVar variation 4737618 (VCV004737618.1).

ClinVar aggregate classification (germline): Uncertain significance (1 of 4 stars; one submission).

Conditions:
Ataxia-telangiectasia syndrome (AT). Also called: Cerebello-oculocutaneous telangiectasia; Immunodeficiency with ataxia telangiectasia; Ataxia-telangiectasia, complementation group E; LOUIS-BAR SYNDROME; AT, COMPLEMENTATION GROUP C; ATAXIA-TELANGIECTASIA, COMPLEMENTATION GROUP A. Identifiers: Orphanet 100, MedGen C0004135, MONDO:0008840, OMIM 208900.

Submission:

Labcorp Genetics (formerly Invitae), Labcorp
Classification: Uncertain significance for Ataxia-telangiectasia syndrome. Last evaluated: 2025-12-17. Review status: criteria provided, single submitter. Criteria: Invitae Variant Classification Sherloc (09022015). Collection method: clinical testing. Allele origin: germline.
Comment: This sequence change replaces lysine, which is basic and polar, with methionine, which is neutral and non-polar, at codon 422 of the ATM protein (p.Lys422Met). This variant is not present in population databases (gnomAD no frequency). This variant has not been reported in the literature in individuals affected with ATM-related conditions. Invitae Evidence Modeling of protein sequence and biophysical properties (such as structural, functional, and spatial information, amino acid conservation, physicochemical variation, residue mobility, and thermodynamic stability) indicates that this missense variant is not expected to disrupt ATM protein function with a negative predictive value of 95%. In summary, the available evidence is currently insufficient to determine the role of this variant in disease. Therefore, it has been classified as a Variant of Uncertain Significance.